The following is an entry in ClinVar:

NM_000051.4(ATM):c.7412T>G (p.Ile2471Ser)

Genes: ATM (ATM serine/threonine kinase; plus strand), C11orf65 (chromosome 11 open reading frame 65; minus strand). Cytogenetic location: 11q22.3.
Variant type: single nucleotide variant.
Coding change: c.7412T>G on transcript NM_000051.4 (MANE Select); coding-DNA position 7412, T replaced by G.
Protein change: p.Ile2471Ser; replaces isoleucine 2471 with serine.
Molecular consequence: missense variant. On other transcripts: intron variant (2).
Genome position (GRCh38, 1-based): chr11:108,330,318, T>G. VCF-style: chr11-108330318-T-G. GRCh37 (hg19) VCF-style: chr11-108201045-T-G.
Other names: c.7412T>G, p.Ile2471Ser (NM_001351834.2); c.641-21247A>C (NM_001330368.2); c.*38+4902A>C (NM_001351110.2); short protein forms I2471S.
Identifiers: ClinVar variation 665454 (VCV000665454.3), dbSNP rs1591160703, ClinGen allele CA382560163.

ClinVar aggregate classification (germline): Uncertain significance (1 of 4 stars; one submission).

Conditions:
Ataxia-telangiectasia syndrome (AT). Also called: Ataxia-telangiectasia, complementation group D; AT, COMPLEMENTATION GROUP C; ATAXIA-TELANGIECTASIA, COMPLEMENTATION GROUP A; ATAXIA-TELANGIECTASIA, FRESNO VARIANT; Ataxia-telangiectasia; LOUIS-BAR SYNDROME. Identifiers: Orphanet 100, MedGen C0004135, MONDO:0008840, OMIM 208900.

Submission:

Labcorp Genetics (formerly Invitae), Labcorp
Classification: Uncertain significance for Ataxia-telangiectasia syndrome. Last evaluated: 2018-12-19. Review status: criteria provided, single submitter. Criteria: Invitae Variant Classification Sherloc (09022015). Collection method: clinical testing. Allele origin: germline.
Comment: This sequence change replaces isoleucine with serine at codon 2471 of the ATM protein (p.Ile2471Ser). The isoleucine residue is highly conserved and there is a large physicochemical difference between isoleucine and serine. This variant is not present in population databases (ExAC no frequency). This variant has not been reported in the literature in individuals with ATM-related conditions. Algorithms developed to predict the effect of missense changes on protein structure and function (SIFT, PolyPhen-2, Align-GVGD) all suggest that this variant is likely to be disruptive, but these predictions have not been confirmed by published functional studies and their clinical significance is uncertain. In summary, the available evidence is currently insufficient to determine the role of this variant in disease. Therefore, it has been classified as a Variant of Uncertain Significance.